The following is an entry in ClinVar:

ClinVar aggregate classification (germline): Uncertain significance. Review status: criteria provided, multiple submitters, no conflicts (2 of 4 stars). 4 submissions from 4 submitters: Uncertain significance (4). Last evaluated 2025-12-09.

Conditions:
Familial thoracic aortic aneurysm and aortic dissection (TAAD). Also called: Thoracic aortic aneurysms and dissections. Identifiers: Orphanet 91387, MedGen C4707243, MONDO:0019625.
Aortic aneurysm, familial thoracic 4 (AAT4). Also called: AORTIC ANEURYSM/AORTIC DISSECTION AND PATENT DUCTUS ARTERIOSUS. Identifiers: MedGen C1851504, MONDO:0007568, OMIM 132900.

Allele frequency attached by ClinVar (database versions not stated): gnomAD exomes 0.00001; ExAC 0.00001; gnomAD 0.00003; TOPMed 0.00004.
gnomAD v4.1: 7 of 1,614,042 alleles (0.00043%); highest among the groups gnomAD compares: Non-Finnish European, 0.00059%; no homozygotes.

Submissions (4):

Labcorp Genetics (formerly Invitae), Labcorp
Classification: Uncertain significance for Aortic aneurysm, familial thoracic 4. Last evaluated: 2025-12-09. Review status: criteria provided, single submitter. Criteria: Invitae Variant Classification Sherloc (09022015). Collection method: clinical testing. Allele origin: germline.
Comment: This sequence change replaces alanine, which is neutral and non-polar, with threonine, which is neutral and polar, at codon 1465 of the MYH11 protein (p.Ala1465Thr). This variant is present in population databases (rs775154820, gnomAD 0.002%). This variant has not been reported in the literature in individuals affected with MYH11-related conditions. ClinVar contains an entry for this variant (Variation ID: 263876). Invitae Evidence Modeling of protein sequence and biophysical properties (such as structural, functional, and spatial information, amino acid conservation, physicochemical variation, residue mobility, and thermodynamic stability) indicates that this missense variant is not expected to disrupt MYH11 protein function with a negative predictive value of 95%. In summary, the available evidence is currently insufficient to determine the role of this variant in disease. Therefore, it has been classified as a Variant of Uncertain Significance.

GeneDx
Classification: Uncertain significance. Last evaluated: 2025-06-24. Review status: criteria provided, single submitter. Criteria: GeneDx Variant Classification Process June 2021. Collection method: clinical testing. Allele origin: germline. Affected: yes.
Comment: Not observed at significant frequency in large population cohorts (gnomAD); In silico analysis supports that this missense variant has a deleterious effect on protein structure/function; Has not been previously published as pathogenic or benign to our knowledge

Ambry Genetics
Classification: Uncertain significance for Familial thoracic aortic aneurysm and aortic dissection. Last evaluated: 2024-10-28. Review status: criteria provided, single submitter. Criteria: Ambry Variant Classification Scheme 2023. Collection method: clinical testing. Allele origin: germline.

Color Diagnostics, LLC DBA Color Health
Classification: Uncertain significance for Familial thoracic aortic aneurysm and aortic dissection. Last evaluated: 2024-03-06. Review status: criteria provided, single submitter. Criteria: ACMG Guidelines, 2015. Collection method: clinical testing. Allele origin: germline.
Comment: This missense variant replaces alanine with threonine at codon 1465 of the MYH11 protein. Computational prediction is inconclusive regarding the impact of this variant on protein structure and function (internally defined REVEL score threshold 0.5 < inconclusive < 0.7, PMID: 27666373). To our knowledge, functional studies have not been reported for this variant. This variant has not been reported in individuals affected with MYH11-related disorders in the literature. This variant has been identified in 2/251420 chromosomes in the general population by the Genome Aggregation Database (gnomAD). The available evidence is insufficient to determine the role of this variant in disease conclusively. Therefore, this variant is classified as a Variant of Uncertain Significance.

NM_002474.3(MYH11):c.4372G>A (p.Ala1458Thr)

Genes: MYH11 (myosin heavy chain 11; minus strand), NDE1 (nudE neurodevelopment protein 1; plus strand). Cytogenetic location: 16p13.11.
Variant type: single nucleotide variant.
Coding change: c.4372G>A on transcript NM_002474.3 (MANE Select); coding-DNA position 4372, G replaced by A.
Protein change: p.Ala1458Thr; replaces alanine 1458 with threonine.
Molecular consequence: missense variant. On other transcripts: intron variant (2).
Genome position (GRCh38, 1-based): chr16:15,721,628, C>T on the plus strand (G>A on the coding strand, the complement: MYH11 is on the minus strand). VCF-style: chr16-15721628-C-T. GRCh37 (hg19) VCF-style: chr16-15815485-C-T.
Other names: c.4393G>A, p.Ala1465Thr (NM_001040113.2, NM_001040114.2); c.4372G>A, p.Ala1458Thr (NM_022844.3); c.948-2563C>T (NM_001143979.2, NM_017668.3); short protein forms A1458T, A1465T.
Identifiers: ClinVar variation 263876 (VCV000263876.12), dbSNP rs775154820, ClinGen allele CA7921674.